The following is an entry in ClinVar:

NM_001134407.3(GRIN2A):c.*5598G>A

Gene: GRIN2A (glutamate ionotropic receptor NMDA type subunit 2A; minus strand). Cytogenetic location: 16p13.2.
Variant type: single nucleotide variant.
Coding change: c.*5598G>A on transcript NM_001134407.3 (MANE Select); 5598 bases downstream of the stop codon, G replaced by A.
Molecular consequence: 3 prime UTR variant.
Genome position (GRCh38, 1-based): chr16:9,757,551, C>T on the plus strand (G>A on the coding strand, the complement: GRIN2A is on the minus strand). VCF-style: chr16-9757551-C-T. GRCh37 (hg19) VCF-style: chr16-9851408-C-T.
Other names: c.*5598G>A (NM_000833.5); c.*5804G>A (NM_001134408.2).
Identifiers: ClinVar variation 888256 (VCV000888256.4), dbSNP rs13330899, ClinGen allele CA277530384.

ClinVar aggregate classification (germline): Benign (1 of 4 stars; one submission).

Conditions:
Landau-Kleffner syndrome (FESD). Also called: APHASIA, ACQUIRED, WITH EPILEPSY; EPILEPSY, FOCAL, WITH SPEECH DISORDER AND WITH OR WITHOUT MENTAL RETARDATION. Identifiers: Orphanet 1945, Orphanet 725, Orphanet 98818, MedGen C0282512, MONDO:0009509, OMIM 245570.

Allele frequency attached by ClinVar (database versions not stated): gnomAD exomes 0.00062; 1000 Genomes Project 0.00280; gnomAD 0.00313 and 0.00294; TOPMed 0.00344; 1000 Genomes Project 30x 0.00250.
gnomAD v4.1: 489 of 227,262 alleles (0.22%); highest among the groups gnomAD compares: African/African-American, 1%; 2 homozygotes.

Submission:

Illumina Laboratory Services, Illumina
Classification: Benign for Landau-Kleffner syndrome. Last evaluated: 2018-01-13. Review status: criteria provided, single submitter. Criteria: ICSL Variant Classification Criteria 13 December 2019. Collection method: clinical testing. Allele origin: germline.
Comment: This variant was observed in the ICSL laboratory as part of a predisposition screen in an ostensibly healthy population. It had not been previously curated by ICSL or reported in the Human Gene Mutation Database (HGMD: prior to June 1st, 2018), and was therefore a candidate for classification through an automated scoring system. Utilizing variant allele frequency, disease prevalence and penetrance estimates, and inheritance mode, an automated score was calculated to assess if this variant is too frequent to cause the disease. Based on the score and internal cut-off values, a variant classified as benign is not then subjected to further curation. The score for this variant resulted in a classification of benign for this disease.